The following is an entry in ClinVar:

ClinVar aggregate classification (germline): Uncertain significance (1 of 4 stars; one submission).

Submission:

Labcorp Genetics (formerly Invitae), Labcorp
Classification: Uncertain significance. Last evaluated: 2025-09-22. Review status: criteria provided, single submitter. Criteria: Invitae Variant Classification Sherloc (09022015). Collection method: clinical testing. Allele origin: germline.
Comment: This sequence change replaces proline, which is neutral and non-polar, with serine, which is neutral and polar, at codon 2258 of the VPS13D protein (p.Pro2258Ser). This variant is not present in population databases (gnomAD no frequency). This variant has not been reported in the literature in individuals affected with VPS13D-related conditions. Invitae Evidence Modeling of protein sequence and biophysical properties (such as structural, functional, and spatial information, amino acid conservation, physicochemical variation, residue mobility, and thermodynamic stability) has been performed for this missense variant. However, the output from this modeling did not meet the statistical confidence thresholds required to predict the impact of this variant on VPS13D protein function. In summary, the available evidence is currently insufficient to determine the role of this variant in disease. Therefore, it has been classified as a Variant of Uncertain Significance.

NM_015378.4(VPS13D):c.6772C>T (p.Pro2258Ser)

Gene: VPS13D (vacuolar protein sorting 13 homolog D; plus strand). Cytogenetic location: 1p36.22.
Variant type: single nucleotide variant.
Coding change: c.6772C>T on transcript NM_015378.4 (MANE Select); coding-DNA position 6772, C replaced by T.
Protein change: p.Pro2258Ser; replaces proline 2258 with serine.
Molecular consequence: missense variant.
Genome position (GRCh38, 1-based): chr1:12,311,575, C>T. VCF-style: chr1-12311575-C-T. GRCh37 (hg19) VCF-style: chr1-12371632-C-T.
Other names: c.6772C>T, p.Pro2258Ser (NM_018156.4); short protein forms P2258S.
Identifiers: ClinVar variation 4698681 (VCV004698681.1).